The following is an entry in ClinVar:

NM_006939.4(SOS2):c.2539G>T (p.Val847Leu)

Gene: SOS2 (SOS Ras/Rho guanine nucleotide exchange factor 2; minus strand). Cytogenetic location: 14q21.3.
Variant type: single nucleotide variant.
Coding change: c.2539G>T on transcript NM_006939.4 (MANE Select); coding-DNA position 2539, G replaced by T.
Protein change: p.Val847Leu; replaces valine 847 with leucine.
Molecular consequence: missense variant.
Genome position (GRCh38, 1-based): chr14:50,145,298, C>A on the plus strand (G>T on the coding strand, the complement: SOS2 is on the minus strand). VCF-style: chr14-50145298-C-A. GRCh37 (hg19) VCF-style: chr14-50612016-C-A.
Other names: c.2440G>T, p.Val814Leu (NM_001411020.1); short protein forms V814L, V847L.
Identifiers: ClinVar variation 2172125 (VCV002172125.4), dbSNP rs1884432798, ClinGen allele CA389643158.

ClinVar aggregate classification (germline): Uncertain significance (1 of 4 stars; one submission).

Conditions:
Noonan syndrome 9 (NS9). Identifiers: Orphanet 648, MedGen C4225282, MONDO:0014691, OMIM 616559.

Allele frequency attached by ClinVar (database versions not stated): gnomAD exomes below 0.00001.
gnomAD v4.1: 3 of 1,602,672 alleles (0.00019%); highest among the groups gnomAD compares: East Asian, 0.0022%; no homozygotes.

Submission:

Labcorp Genetics (formerly Invitae), Labcorp
Classification: Uncertain significance for Noonan syndrome 9. Last evaluated: 2022-09-23. Review status: criteria provided, single submitter. Criteria: Invitae Variant Classification Sherloc (09022015). Collection method: clinical testing. Allele origin: germline.
Comment: This sequence change replaces valine, which is neutral and non-polar, with leucine, which is neutral and non-polar, at codon 847 of the SOS2 protein (p.Val847Leu). This variant is not present in population databases (gnomAD no frequency). This variant has not been reported in the literature in individuals affected with SOS2-related conditions. Advanced modeling of protein sequence and biophysical properties (such as structural, functional, and spatial information, amino acid conservation, physicochemical variation, residue mobility, and thermodynamic stability) performed at Invitae indicates that this missense variant is not expected to disrupt SOS2 protein function. In summary, the available evidence is currently insufficient to determine the role of this variant in disease. Therefore, it has been classified as a Variant of Uncertain Significance.